The following is an entry in ClinVar:

NM_000329.3(RPE65):c.10C>T (p.Gln4Ter)

Gene: RPE65 (retinoid isomerohydrolase RPE65; minus strand). Cytogenetic location: 1p31.3.
Variant type: single nucleotide variant.
Coding change: c.10C>T on transcript NM_000329.3 (MANE Select); coding-DNA position 10, C replaced by T.
Protein change: p.Gln4Ter; replaces glutamine 4 with a stop codon.
Molecular consequence: nonsense.
Genome position (GRCh38, 1-based): chr1:68,449,896, G>A on the plus strand (C>T on the coding strand, the complement: RPE65 is on the minus strand). VCF-style: chr1-68449896-G-A. GRCh37 (hg19) VCF-style: chr1-68915579-G-A.
Other names: c.10C>T, p.Gln4Ter (NM_001406853.1, NM_001406859.1, NM_001406860.1); c.-116C>T (NM_001406856.1); c.-184C>T (NM_001406857.1); short protein forms Q4*.
Identifiers: ClinVar variation 2110257 (VCV002110257.5), dbSNP rs748096417, ClinGen allele CA902659.

ClinVar aggregate classification (germline): Pathogenic. Review status: reviewed by expert panel (3 of 4 stars). 3 submissions from 3 submitters: Pathogenic (1). 2 of the submissions do not count toward it. Last evaluated 2024-02-20.

Conditions:
Leber congenital amaurosis 2 (LCA2). Also called: Autosomal Recessive RPE65-Related Retinal Degeneration; AMAUROSIS CONGENITA OF LEBER II. Identifiers: Orphanet 65, MedGen C1859844, MONDO:0008765, OMIM 204100. Disease mechanism: loss of function.
Retinitis pigmentosa 20 (RP20). Identifiers: Orphanet 791, MedGen C3151086, MONDO:0013425, OMIM 613794.
RPE65-related recessive retinopathy. Also called: Recessive RPE65 retinopathy. Identifiers: MedGen CN305526, MONDO:0100368.

Allele frequency attached by ClinVar (database versions not stated): ExAC 0.00001.
gnomAD v4.1: 3 of 1,614,106 alleles (0.00019%); highest among the groups gnomAD compares: Non-Finnish European, 0.00025%; no homozygotes.

Submissions (3):

ClinGen Leber Congenital Amaurosis/early Onset Retinal Dystrophy Variant Curation Expert Panel, ClinGen
Classification: Pathogenic for RPE65-related recessive retinopathy. Last evaluated: 2024-02-20. Review status: reviewed by expert panel. Criteria: ClinGen LCAeoRD ACMG Specifications RPE65 V1.0.0. Collection method: curation. Allele origin: germline. Inheritance: Autosomal recessive inheritance.
Comment: NM_000329.3(RPE65):c.10C>T (p.Gln4Ter) is a nonsense variant that introduces a premature stop codon into exon 1 of 14, and is predicted to lead to nonsense-mediated decay in a gene in which loss-of-function is an established mechanism of disease (PVS1). This variant is present in gnomAD v.2.1.1 at an allele frequency of 0.000008797, with 1 allele/113674 total alleles in the European non-Finnish population, which is lower than the ClinGen LCA/eoRD VCEP PM2_Supporting threshold of <0.0002 (PM2_Supporting). At least one proband harboring this variant exhibits a phenotype including diagnosis of Leber congenital amaurosis (0.5 pts) with onset before age 5 years (1 pt), undetectable ERG responses from both rods (0.5 pts) and cones (1 pt), reduced visual acuity (1 pt), and retinal pigment epithelial mottling (0.5 pt), which together are specific for RPE65-related recessive retinopathy (4.5 total points, PMID: 35129589, PP4). In summary, this variant meets the criteria to be classified as pathogenic for RPE65-related recessive retinopathy based on the ACMG/AMP criteria applied, as specified by the ClinGen LCA / eoRD VCEP: PVS1, PM2_Supporting, and PP4. (VCEP specifications version 1.0.0; date of approval 09/21/2023).

Baylor Genetics
Classification: Likely pathogenic for Leber congenital amaurosis 2. Last evaluated: 2022-08-27. Review status: criteria provided, single submitter. Criteria: ACMG Guidelines, 2015. Collection method: clinical testing. Allele origin: unknown. Not counted in ClinVar's aggregate classification.

Labcorp Genetics (formerly Invitae), Labcorp
Classification: Pathogenic for Leber congenital amaurosis 2; Retinitis pigmentosa 20. Last evaluated: 2022-03-12. Review status: criteria provided, single submitter. Criteria: Invitae Variant Classification Sherloc (09022015). Collection method: clinical testing. Allele origin: germline. Not counted in ClinVar's aggregate classification.
Comment: For these reasons, this variant has been classified as Pathogenic. This variant has not been reported in the literature in individuals affected with RPE65-related conditions. The frequency data for this variant in the population databases is considered unreliable, as metrics indicate poor data quality at this position in the gnomAD database. This sequence change creates a premature translational stop signal (p.Gln4*) in the RPE65 gene. It is expected to result in an absent or disrupted protein product. Loss-of-function variants in RPE65 are known to be pathogenic (PMID: 9326941, 9501220, 9843205, 18632300).

Literature cited by the submitters: PubMed 9326941 (cited by Labcorp Genetics (formerly Invitae), Labcorp); PubMed 9501220 (cited by Labcorp Genetics (formerly Invitae), Labcorp); PubMed 9843205 (cited by Labcorp Genetics (formerly Invitae), Labcorp); PubMed 18632300 (cited by Labcorp Genetics (formerly Invitae), Labcorp).